The following is an entry in ClinVar:

NM_025114.4(CEP290):c.895G>A (p.Asp299Asn)

Gene: CEP290 (centrosomal protein 290; minus strand). Cytogenetic location: 12q21.32.
Variant type: single nucleotide variant.
Coding change: c.895G>A on transcript NM_025114.4 (MANE Select); coding-DNA position 895, G replaced by A.
Protein change: p.Asp299Asn; replaces aspartic acid 299 with asparagine.
Molecular consequence: missense variant.
Genome position (GRCh38, 1-based): chr12:88,128,993, C>T on the plus strand (G>A on the coding strand, the complement: CEP290 is on the minus strand). VCF-style: chr12-88128993-C-T. GRCh37 (hg19) VCF-style: chr12-88522770-C-T.
Other names: c.895G>A (NM_025114.3); short protein forms D299N.
Identifiers: ClinVar variation 1986933 (VCV001986933.7), dbSNP rs762372051, ClinGen allele CA6712678.

ClinVar aggregate classification (germline): Uncertain significance. Review status: criteria provided, multiple submitters, no conflicts (2 of 4 stars). 3 submissions from 3 submitters: Uncertain significance (3). Last evaluated 2024-12-30.

Conditions:
CEP290-related disorder. Also called: CEP290-related condition; CEP290-related disorders. Identifiers: MedGen CN239314.
Meckel-Gruber syndrome. Also called: DYSENCEPHALIA SPLANCHNOCYSTICA; GRUBER SYNDROME; Dysencephalia splachnocystica. Identifiers: Orphanet 564, MedGen C0265215, MONDO:0018921.
Nephronophthisis. Also called: Juvenile Nephronophthisis. Identifiers: Orphanet 655, MedGen C0687120, MONDO:0019005, HP:0000090.
Joubert syndrome. Also called: Familial aplasia of the vermis; JOUBERT-BOLTSHAUSER SYNDROME. Identifiers: Orphanet 475, MedGen C5979921, MONDO:0018772.

Allele frequency attached by ClinVar (database versions not stated): gnomAD exomes below 0.00001; ExAC 0.00001.
gnomAD v4.1: 5 of 1,539,270 alleles (0.00032%); highest among the groups gnomAD compares: Non-Finnish European, 0.00043%; no homozygotes.

Submissions (3):

PreventionGenetics, part of Exact Sciences
Classification: Uncertain significance for CEP290-related condition. Last evaluated: 2024-12-30. Review status: criteria provided, single submitter. Criteria: ACMG Guidelines, 2015. Collection method: clinical testing. Allele origin: germline.
Comment: The CEP290 c.895G>A variant is predicted to result in the amino acid substitution p.Asp299Asn. To our knowledge, this variant has not been reported in the literature. This variant is reported in 0.0022% of alleles in individuals of European (Non-Finnish) descent in gnomAD. At this time, the clinical significance of this variant is uncertain due to the absence of conclusive functional and genetic evidence.

GeneDx
Classification: Uncertain significance. Last evaluated: 2022-07-27. Review status: criteria provided, single submitter. Criteria: GeneDx Variant Classification Process June 2021. Collection method: clinical testing. Allele origin: germline. Affected: yes.
Comment: Not observed at significant frequency in large population cohorts (gnomAD); In silico analysis supports that this missense variant does not alter protein structure/function; Has not been previously published as pathogenic or benign to our knowledge

Labcorp Genetics (formerly Invitae), Labcorp
Classification: Uncertain significance for Joubert syndrome; Meckel-Gruber syndrome; Nephronophthisis. Last evaluated: 2022-02-12. Review status: criteria provided, single submitter. Criteria: Invitae Variant Classification Sherloc (09022015). Collection method: clinical testing. Allele origin: germline.
Comment: This sequence change replaces aspartic acid, which is acidic and polar, with asparagine, which is neutral and polar, at codon 299 of the CEP290 protein (p.Asp299Asn). The frequency data for this variant in the population databases is considered unreliable, as metrics indicate poor data quality at this position in the gnomAD database. This variant has not been reported in the literature in individuals affected with CEP290-related conditions. Algorithms developed to predict the effect of missense changes on protein structure and function are either unavailable or do not agree on the potential impact of this missense change (SIFT: "Deleterious"; PolyPhen-2: "Probably Damaging"; Align-GVGD: "Class C0"). In summary, the available evidence is currently insufficient to determine the role of this variant in disease. Therefore, it has been classified as a Variant of Uncertain Significance.